The following is an entry in ClinVar:

NM_022039.4(FBXW4):c.353G>A (p.Gly118Glu)

Gene: FBXW4 (F-box and WD repeat domain containing 4; minus strand). Cytogenetic location: 10q24.32.
Variant type: single nucleotide variant.
Coding change: c.353G>A on transcript NM_022039.4 (MANE Select); coding-DNA position 353, G replaced by A.
Protein change: p.Gly118Glu; replaces glycine 118 with glutamic acid.
Molecular consequence: missense variant. On other transcripts: non-coding transcript variant (1), intron variant (1).
Genome position (GRCh38, 1-based): chr10:101,694,753, C>T on the plus strand (G>A on the coding strand, the complement: FBXW4 is on the minus strand). VCF-style: chr10-101694753-C-T. GRCh37 (hg19) VCF-style: chr10-103454510-C-T.
Other names: c.-2+487G>A (NM_001323541.2); short protein forms G118E.
Identifiers: ClinVar variation 298546 (VCV000298546.5), dbSNP rs532195262, ClinGen allele CA10634752.

ClinVar aggregate classification (germline): Likely benign (1 of 4 stars; one submission).

Conditions:
Split hand-foot malformation 3. Also called: CHROMOSOME 10q24 DUPLICATION SYNDROME; SHSF3; Buttiens Fryns syndrome. Identifiers: Orphanet 1307, MedGen C1838652, MONDO:0009525, OMIM 246560.

Allele frequency attached by ClinVar (database versions not stated): gnomAD exomes 0.00003; gnomAD 0.00030 and 0.00031; TOPMed 0.00033; 1000 Genomes Project 0.00040; 1000 Genomes Project 30x 0.00047.
gnomAD v4.1: 78 of 1,361,886 alleles (0.0057%); highest among the groups gnomAD compares: African/African-American, 0.12%; 1 homozygote.

Submission:

Illumina Laboratory Services, Illumina
Classification: Likely benign for Split hand-foot malformation 3. Last evaluated: 2018-01-13. Review status: criteria provided, single submitter. Criteria: ICSL Variant Classification Criteria 13 December 2019. Collection method: clinical testing. Allele origin: germline.
Comment: This variant was observed in the ICSL laboratory as part of a predisposition screen in an ostensibly healthy population. It had not been previously curated by ICSL or reported in the Human Gene Mutation Database (HGMD: prior to June 1st, 2018), and was therefore a candidate for classification through an automated scoring system. Utilizing variant allele frequency, disease prevalence and penetrance estimates, and inheritance mode, an automated score was calculated to assess if this variant is too frequent to cause the disease. Based on the score and internal cut-off values, a variant classified as likely benign is not then subjected to further curation. The score for this variant resulted in a classification of likely benign for this disease.